The following is an entry in ClinVar:

ClinVar aggregate classification (germline): Uncertain significance (1 of 4 stars; one submission).

Submission:

GeneDx
Classification: Uncertain significance. Last evaluated: 2024-12-12. Review status: criteria provided, single submitter. Criteria: GeneDx Variant Classification Process June 2021. Collection method: clinical testing. Allele origin: germline. Affected: yes.
Comment: Not observed at significant frequency in large population cohorts (gnomAD); In silico analysis supports that this missense variant has a deleterious effect on protein structure/function; Has not been previously published as pathogenic or benign to our knowledge

NM_000238.4(KCNH2):c.2275A>G (p.Lys759Glu)

Gene: KCNH2 (potassium voltage-gated channel subfamily H member 2; minus strand). Cytogenetic location: 7q36.1.
Variant type: single nucleotide variant.
Coding change: c.2275A>G on transcript NM_000238.4 (MANE Select); coding-DNA position 2275, A replaced by G.
Protein change: p.Lys759Glu; replaces lysine 759 with glutamic acid.
Molecular consequence: missense variant. On other transcripts: non-coding transcript variant (2).
Genome position (GRCh38, 1-based): chr7:150,950,291, T>C on the plus strand (A>G on the coding strand, the complement: KCNH2 is on the minus strand). VCF-style: chr7-150950291-T-C. GRCh37 (hg19) VCF-style: chr7-150647379-T-C.
Other names: c.1255A>G, p.Lys419Glu (NM_001204798.2, NM_172057.3); c.1987A>G, p.Lys663Glu (NM_001406753.1, NM_001406756.1); c.2098A>G, p.Lys700Glu (NM_001406755.1); c.1975A>G, p.Lys659Glu (NM_001406757.1); c.2275A>G, p.Lys759Glu (NM_172056.3); short protein forms K419E, K659E, K663E, K700E, K759E.
Identifiers: ClinVar variation 3902892 (VCV003902892.1).